The following is an entry in ClinVar:

ClinVar aggregate classification (germline): Likely pathogenic (1 of 4 stars; one submission).

Conditions:
Neurodevelopmental disorder with cerebellar atrophy and motor dysfunction. Identifiers: MedGen C5543427, MONDO:0859152, OMIM 619333.

Submission:

Broad Center for Mendelian Genomics, Broad Institute of MIT and Harvard
Classification: Likely pathogenic for Neurodevelopmental disorder with cerebellar atrophy and motor dysfunction. Last evaluated: 2024-11-27. Review status: criteria provided, single submitter. Criteria: ACMG Guidelines, 2015. Collection method: curation. Allele origin: germline. Inheritance: Autosomal recessive inheritance. Study: GREGoR Consortium.
Comment: Trio exome analysis revealed that this variant was in trans with the VUS. This variant has not been previously reported in the literature in individuals with neurodevelopmental disorder with cerebellar atrophy and motor dysfunction, and was absent from large population studies. This variant is located in the 3' splice region. SpliceAI predictions indicate use of an out-of-frame cryptic splice site 22 bases from the intron-exon boundary, providing evidence that this variant may cause a frameshift and lead to a premature termination codon downstream. This alteration is then predicted to lead to a truncated or absent protein. However, this information is not predictive enough to determine pathogenicity. Loss of function of the GEMIN5 gene is an established disease mechanism in autosomal recessive neurodevelopmental disorder with cerebellar atrophy and motor dysfunction. In summary, although additional studies are required to fully establish its clinical significance, this variant is likely pathogenic for autosomal recessive neurodevelopmental disorder with cerebellar atrophy and motor dysfunction. ACMG/AMP Criteria applied: PVS1, PM2_supporting (Richards 2015).

NM_015465.5(GEMIN5):c.1081-2A>G

Gene: GEMIN5 (gem nuclear organelle associated protein 5; minus strand). Cytogenetic location: 5q33.2.
Variant type: single nucleotide variant.
Coding change: c.1081-2A>G on transcript NM_015465.5 (MANE Select); the canonical splice acceptor site of the intron before coding-DNA position 1081, A replaced by G.
Molecular consequence: splice acceptor variant.
Genome position (GRCh38, 1-based): chr5:154,926,076, T>C on the plus strand (A>G on the coding strand, the complement: GEMIN5 is on the minus strand). VCF-style: chr5-154926076-T-C. GRCh37 (hg19) VCF-style: chr5-154305636-T-C.
Other names: NM_001252156.2:c.1078-2A>G; c.1078-2A>G (NM_001252156.2).
Identifiers: ClinVar variation 3383323 (VCV003383323.1).